The following is an entry in ClinVar:

NM_001122955.4(BSCL2):c.653A>T (p.Asp218Val)

Genes: BSCL2 (BSCL2 lipid droplet biogenesis associated, seipin; minus strand), HNRNPUL2-BSCL2 (HNRNPUL2-BSCL2 readthrough (NMD candidate); minus strand). Cytogenetic location: 11q12.3.
Variant type: single nucleotide variant.
Coding change: c.653A>T on transcript NM_001122955.4 (MANE Select); coding-DNA position 653, A replaced by T.
Protein change: p.Asp218Val; replaces aspartic acid 218 with valine.
Molecular consequence: missense variant. On other transcripts: non-coding transcript variant (1).
Genome position (GRCh38, 1-based): chr11:62,692,775, T>A on the plus strand (A>T on the coding strand, the complement: BSCL2 is on the minus strand). VCF-style: chr11-62692775-T-A. GRCh37 (hg19) VCF-style: chr11-62460247-T-A.
Other names: c.461A>T, p.Asp154Val (NM_001130702.2, NM_032667.6); c.653A>T, p.Asp218Val (NM_001386027.1, NM_001386028.1); short protein forms D154V, D218V.
Identifiers: ClinVar variation 3373097 (VCV003373097.1).
Genomic context (GRCh38, chr11:62,692,775, plus strand): 5'-TCTGCAAAGCCAAATAGCAGGAGGCTAGAGAAGACCAGTGTGTCCAGCATCTGGAGCAGG[T>A]CTGAGCGGTAATGCAGCATCACCTGCCGGGGGTGGGAAGCAGAGGCTGGGGACAGGTGCA-3'
Protein context (NP_001116427.1, residues 208-228): SRSVMLHYRS[Asp218Val]LLQMLDTLVF

ClinVar aggregate classification (germline): Uncertain significance (1 of 4 stars; one submission).

Submission:

GeneDx
Classification: Uncertain significance. Last evaluated: 2024-04-29. Review status: criteria provided, single submitter. Criteria: GeneDx Variant Classification Process June 2021. Collection method: clinical testing. Allele origin: germline. Affected: yes.
Comment: Not observed at significant frequency in large population cohorts (gnomAD); In silico analysis supports that this missense variant has a deleterious effect on protein structure/function; Has not been previously published as pathogenic or benign to our knowledge